The following is an entry in ClinVar:

NM_201384.3(PLEC):c.113-14C>T

Gene: PLEC (plectin; minus strand). Cytogenetic location: 8q24.3.
Variant type: single nucleotide variant.
Coding change: c.113-14C>T on transcript NM_201384.3 (MANE Select); 14 bases into the intron before coding-DNA position 113, C replaced by T.
Molecular consequence: intron variant.
Genome position (GRCh38, 1-based): chr8:143,938,706, G>A on the plus strand (C>T on the coding strand, the complement: PLEC is on the minus strand). VCF-style: chr8-143938706-G-A. GRCh37 (hg19) VCF-style: chr8-145012874-G-A.
Other names: c.194-14C>T (NM_000445.5); c.71-14C>T (NM_201378.4); c.47-14C>T (NM_201379.3); c.524-14C>T (NM_201380.4); c.17-14C>T (NM_201381.3); c.113-14C>T (NM_201382.4); c.125-14C>T (NM_201383.3).
Identifiers: ClinVar variation 508692 (VCV000508692.12), dbSNP rs782149514, ClinGen allele CA4928628.

ClinVar aggregate classification (germline): Likely benign. Review status: criteria provided, multiple submitters, no conflicts (2 of 4 stars). 2 submissions from 2 submitters: Likely benign (2). Last evaluated 2025-10-28.

Conditions:
Autosomal recessive limb-girdle muscular dystrophy type 2Q (LGMDR17). Also called: MUSCULAR DYSTROPHY, LIMB-GIRDLE, AUTOSOMAL RECESSIVE 17. Identifiers: Orphanet 254361, MedGen C3150989, MONDO:0013390, OMIM 613723.
Epidermolysis bullosa simplex 5C, with pyloric atresia (EBS5C). Also called: Epidermolysis bullosa simplex with pyloric atresia; PLEC-Related Epidermolysis Bullosa with Pyloric Atresia; PLEC1-Related Epidermolysis Bullosa with Pyloric Atresia. Identifiers: Orphanet 158684, MedGen C2677349, MONDO:0012807, OMIM 612138.
Epidermolysis bullosa simplex 5B, with muscular dystrophy (EBS5B). Also called: EPIDERMOLYSIS BULLOSA SIMPLEX AND LIMB-GIRDLE MUSCULAR DYSTROPHY; Epidermolysis bullosa simplex with muscular dystrophy. Identifiers: Orphanet 257, MedGen C2931072, MONDO:0009181, OMIM 226670.
Epidermolysis bullosa simplex with nail dystrophy (EBS5D). Identifiers: MedGen C4225309, MONDO:0014661, OMIM 616487.
Epidermolysis bullosa simplex, Ogna type (EBS5A). Also called: Pidermolysis bullosa simplex 5A, Ogna type; EPIDERMOLYSIS BULLOSA SIMPLEX 5A, OGNA TYPE. Identifiers: Orphanet 79401, MedGen C0432317, MONDO:0007555, OMIM 131950.

Allele frequency attached by ClinVar (database versions not stated): gnomAD 0.00001; gnomAD exomes 0.00006 and 0.00012; TOPMed 0.00009; ExAC 0.00010.
gnomAD v4.1: 37 of 1,613,322 alleles (0.0023%); highest among the groups gnomAD compares: Admixed American, 0.06%; no homozygotes.

Submissions (2):

Labcorp Genetics (formerly Invitae), Labcorp
Classification: Likely benign for Autosomal recessive limb-girdle muscular dystrophy type 2Q; Epidermolysis bullosa simplex, Ogna type; Epidermolysis bullosa simplex with nail dystrophy; Epidermolysis bullosa simplex 5C, with pyloric atresia; Epidermolysis bullosa simplex 5B, with muscular dystrophy. Last evaluated: 2025-10-28. Review status: criteria provided, single submitter. Criteria: Invitae Variant Classification Sherloc (09022015). Collection method: clinical testing. Allele origin: germline.

GeneDx
Classification: Likely benign. Last evaluated: 2017-04-12. Review status: criteria provided, single submitter. Criteria: GeneDx Variant Classification (06012015). Collection method: clinical testing. Allele origin: germline. Affected: yes.
Comment: This variant is considered likely benign or benign based on one or more of the following criteria: it is a conservative change, it occurs at a poorly conserved position in the protein, it is predicted to be benign by multiple in silico algorithms, and/or has population frequency not consistent with disease.